The following is an entry in ClinVar:

ClinVar aggregate classification (germline): Pathogenic. Review status: reviewed by expert panel (3 of 4 stars). 3 submissions from 3 submitters: Pathogenic (1). 2 of the submissions do not count toward it. Last evaluated 2016-10-18.

Conditions:
Breast-ovarian cancer, familial, susceptibility to, 2 (BROVCA2). Also called: BRCA2 Hereditary Breast and Ovarian Cancer. Identifiers: Orphanet 145, MedGen C2675520, MONDO:0012933, OMIM 612555. Disease mechanism: loss of function.
Hereditary cancer-predisposing syndrome. Also called: Hereditary Cancer Syndrome; Tumor predisposition; Hereditary neoplastic syndrome; Neoplastic Syndromes, Hereditary. Identifiers: Orphanet 140162, MedGen C0027672, MeSH D009386, MONDO:0015356.

Allele frequency attached by ClinVar (database versions not stated): TOPMed below 0.00001.

Submissions (3):

Evidence-based Network for the Interpretation of Germline Mutant Alleles (ENIGMA)
Classification: Pathogenic for Breast-ovarian cancer, familial, susceptibility to, 2. Last evaluated: 2016-10-18. Review status: reviewed by expert panel. Criteria: ENIGMA BRCA1/2 Classification Criteria (2015). Collection method: curation. Allele origin: germline.
Comment: Variant allele predicted to encode a truncated non-functional protein.

Ambry Genetics
Classification: Pathogenic for Hereditary cancer-predisposing syndrome. Last evaluated: 2026-06-30. Review status: criteria provided, single submitter. Criteria: Ambry Variant Classification Scheme 2023. Collection method: clinical testing. Allele origin: germline. Not counted in ClinVar's aggregate classification.
Comment: The c.4429delA pathogenic mutation, located in coding exon 10 of the BRCA2 gene, results from a deletion of one nucleotide at nucleotide position 4429, causing a translational frameshift with a predicted alternate stop codon (p.I1477Ffs*2). This variant is considered to be rare based on population cohorts in the Genome Aggregation Database (gnomAD). This alteration is expected to result in loss of function by premature protein truncation or nonsense-mediated mRNA decay. As such, this alteration is interpreted as a disease-causing mutation.

Consortium of Investigators of Modifiers of BRCA1/2 (CIMBA), c/o University of Cambridge
Classification: Pathogenic for Breast-ovarian cancer, familial, susceptibility to, 2. Last evaluated: 2015-10-02. Review status: criteria provided, single submitter. Criteria: CIMBA Mutation Classification guidelines May 2016. Collection method: clinical testing. Allele origin: germline. Not counted in ClinVar's aggregate classification.

NM_000059.4(BRCA2):c.4429del (p.Ile1477fs)

Gene: BRCA2 (BRCA2 DNA repair associated; plus strand). Cytogenetic location: 13q13.1.
Variant type: Deletion.
Coding change: c.4429del on transcript NM_000059.4 (MANE Select); coding-DNA position 4429, one base deleted (A; older notation c.4429delA).
Protein change: p.Ile1477fs; shifts the reading frame from isoleucine 1477.
Molecular consequence: frameshift variant.
Genome position (GRCh38, 1-based): chr13:32,338,784, A deleted. VCF-style (leftmost placement, unchanged base first): chr13-32338783-CA-C. GRCh37 (hg19) VCF-style: chr13-32912920-CA-C.
Other names: 4657delA; c.4429delA (NM_000059.3); short protein forms I1477fs.
Identifiers: ClinVar variation 266813 (VCV000266813.6), dbSNP rs886040531, ClinGen allele CA10589260.
Genomic context (GRCh38, chr13:32,338,783, plus strand): 5'-ATTGCATAACTTTTCCTTAAATTCTGAATTACATTCTGACATAAGAAAGAACAAAATGGA[CA>C]TTCTAAGTTATGAGGAAACAGACATAGTTAAACACAAAATACTGAAAGAAAGTGTCCCAG-3'